The following is an entry in ClinVar:

ClinVar aggregate classification (germline): Uncertain significance (1 of 4 stars; one submission).

Conditions:
Candidiasis, familial, 6 (CANDF6). Also called: Candidiasis, familial, 6, autosomal dominant. Identifiers: Orphanet 1334, MedGen C3151405, MONDO:0013503, OMIM 613956.

Submission:

Laboratorio de Genetica e Diagnostico Molecular, Hospital Israelita Albert Einstein
Classification: Uncertain significance for Candidiasis, familial, 6. Last evaluated: 2023-01-13. Review status: criteria provided, single submitter. Criteria: ACMG Guidelines, 2015. Collection method: clinical testing. Allele origin: germline. Affected: yes. Observed: 1 variant allele.
Comment: ACMG classification criteria: PM2 moderated, PP3 supporting

NM_052872.4(IL17F):c.305G>A (p.Cys102Tyr)

Gene: IL17F (interleukin 17F; minus strand). Cytogenetic location: 6p12.2.
Variant type: single nucleotide variant.
Coding change: c.305G>A on transcript NM_052872.4 (MANE Select); coding-DNA position 305, G replaced by A.
Protein change: p.Cys102Tyr; replaces cysteine 102 with tyrosine.
Molecular consequence: missense variant.
Genome position (GRCh38, 1-based): chr6:52,237,118, C>T on the plus strand (G>A on the coding strand, the complement: IL17F is on the minus strand). VCF-style: chr6-52237118-C-T. GRCh37 (hg19) VCF-style: chr6-52101916-C-T.
Other names: short protein forms C102Y.
Identifiers: ClinVar variation 2431927 (VCV002431927.1), dbSNP rs2532687364, ClinGen allele CA364444740.